The following is an entry in ClinVar:

NM_000368.5(TSC1):c.106+5G>A

Gene: TSC1 (TSC complex subunit 1; minus strand). Cytogenetic location: 9q34.13.
Variant type: single nucleotide variant.
Coding change: c.106+5G>A on transcript NM_000368.5 (MANE Select); 5 bases into the intron after coding-DNA position 106, G replaced by A.
Molecular consequence: intron variant.
Genome position (GRCh38, 1-based): chr9:132,928,762, C>T on the plus strand (G>A on the coding strand, the complement: TSC1 is on the minus strand). VCF-style: chr9-132928762-C-T. GRCh37 (hg19) VCF-style: chr9-135804149-C-T.
Other names: c.-154+5G>A (NM_001362177.2); c.106+5G>A (NM_001162427.2, NM_001162426.2).
Identifiers: ClinVar variation 534413 (VCV000534413.11), dbSNP rs1554820973, ClinGen allele CA658797333.
Genomic context (GRCh38, chr9:132,928,762, plus strand): 5'-TAGTGGCTCTAAAGTCAATCTCTTCTTTCTAGAAGATAAGCTAAAAAGGATATTATTTTG[C>T]TAACCAGAATTGAGGTTCTCTTTAAAGACAGCTGTCACGTCGTCCCGCACACCCAGCATG-3'

ClinVar aggregate classification (germline): Conflicting classifications of pathogenicity. Review status: criteria provided, conflicting classifications (1 of 4 stars). 3 submissions from 3 submitters: Uncertain significance (2); Likely benign (1). Last evaluated 2025-10-20.

Conditions:
Hereditary cancer-predisposing syndrome. Also called: Neoplastic Syndromes, Hereditary; Hereditary neoplastic syndrome; Tumor predisposition; Hereditary Cancer Syndrome. Identifiers: Orphanet 140162, MedGen C0027672, MeSH D009386, MONDO:0015356.
Tuberous sclerosis 1 (TSC1). Identifiers: Orphanet 805, MedGen C1854465, MONDO:0008612, OMIM 191100.
Tuberous sclerosis syndrome (TSC). Also called: Tuberous Sclerosis Complex; Tuberous sclerosis. Identifiers: Orphanet 805, MedGen C0041341, MONDO:0001734.

Allele frequency attached by ClinVar (database versions not stated): gnomAD exomes 0.00002.
gnomAD v4.1: 24 of 1,613,978 alleles (0.0015%); highest among the groups gnomAD compares: Non-Finnish European, 0.002%; no homozygotes.

Submissions (3):

Ambry Genetics
Classification: Likely benign for Hereditary cancer-predisposing syndrome. Last evaluated: 2025-10-20. Review status: criteria provided, single submitter. Criteria: Ambry Variant Classification Scheme 2023. Collection method: clinical testing. Allele origin: germline.

Labcorp Genetics (formerly Invitae), Labcorp
Classification: Uncertain significance for Tuberous sclerosis 1. Last evaluated: 2024-04-30. Review status: criteria provided, single submitter. Criteria: Invitae Variant Classification Sherloc (09022015). Collection method: clinical testing. Allele origin: germline.
Comment: This sequence change falls in intron 3 of the TSC1 gene. It does not directly change the encoded amino acid sequence of the TSC1 protein. It affects a nucleotide within the consensus splice site. This variant is not present in population databases (gnomAD no frequency). This variant has not been reported in the literature in individuals affected with TSC1-related conditions. ClinVar contains an entry for this variant (Variation ID: 534413). Variants that disrupt the consensus splice site are a relatively common cause of aberrant splicing (PMID: 17576681, 9536098). Algorithms developed to predict the effect of sequence changes on RNA splicing suggest that this variant may disrupt the consensus splice site. In summary, the available evidence is currently insufficient to determine the role of this variant in disease. Therefore, it has been classified as a Variant of Uncertain Significance.

All of Us Research Program, National Institutes of Health
Classification: Uncertain significance for Tuberous sclerosis syndrome. Last evaluated: 2023-04-03. Review status: criteria provided, single submitter. Criteria: ACMG Guidelines, 2015. Collection method: clinical testing. Allele origin: germline. Inheritance: Autosomal dominant inheritance. Observed: 1 variant allele, 1 heterozygote.
Comment: This variant causes a G to A nucleotide substitution at the +5 position of intron 3 of the TSC1 gene. Splice site prediction tools predict that this variant may have a significant impact on RNA splicing. To our knowledge, functional studies have not been reported for this variant. This variant has not been reported in individuals affected with TSC1-related disorders in the literature. This variant has not been identified in the general population by the Genome Aggregation Database (gnomAD). The available evidence is insufficient to determine the role of this variant in disease conclusively. Therefore, this variant is classified as a Variant of Uncertain Significance.

This study involves interpretation of variants in research participants for the purpose of population health screening. Participant phenotype was not available at the time of variant classification. Additional details can be found in publication PMID: 35346344, PMCID: PMC8962531

Literature cited by the submitters: PubMed 17576681 (cited by Labcorp Genetics (formerly Invitae), Labcorp); PubMed 9536098 (cited by Labcorp Genetics (formerly Invitae), Labcorp).